The following is an entry in ClinVar:

NM_001036.6(RYR3):c.6556G>T (p.Gly2186Cys)

Gene: RYR3 (ryanodine receptor 3; plus strand). Cytogenetic location: 15q14.
Variant type: single nucleotide variant.
Coding change: c.6556G>T on transcript NM_001036.6 (MANE Select); coding-DNA position 6556, G replaced by T.
Protein change: p.Gly2186Cys; replaces glycine 2186 with cysteine.
Molecular consequence: missense variant.
Genome position (GRCh38, 1-based): chr15:33,706,991, G>T. VCF-style: chr15-33706991-G-T. GRCh37 (hg19) VCF-style: chr15-33999192-G-T.
Other names: c.6556G>T, p.Gly2186Cys (NM_001243996.4); c.6556G>T (NM_001036.3); short protein forms G2186C.
Identifiers: ClinVar variation 1058618 (VCV001058618.10), dbSNP rs754370784, ClinGen allele CA7459602.

ClinVar aggregate classification (germline): Uncertain significance. Review status: criteria provided, multiple submitters, no conflicts (2 of 4 stars). 2 submissions from 2 submitters: Uncertain significance (2). Last evaluated 2025-07-31.

Conditions:
Epileptic encephalopathy. Identifiers: MedGen C0543888, HP:0200134.

Allele frequency attached by ClinVar (database versions not stated): ExAC 0.00002; gnomAD 0.00003 and 0.00004.
gnomAD v4.1: 29 of 1,613,696 alleles (0.0018%); highest among the groups gnomAD compares: Admixed American, 0.0033%; no homozygotes.

Submissions (2):

Ambry Genetics
Classification: Uncertain significance. Last evaluated: 2025-07-31. Review status: criteria provided, single submitter. Criteria: Ambry Variant Classification Scheme 2023. Collection method: clinical testing. Allele origin: germline.

Labcorp Genetics (formerly Invitae), Labcorp
Classification: Uncertain significance for Epileptic encephalopathy. Last evaluated: 2020-06-21. Review status: criteria provided, single submitter. Criteria: Invitae Variant Classification Sherloc (09022015). Collection method: clinical testing. Allele origin: germline.
Comment: In summary, the available evidence is currently insufficient to determine the role of this variant in disease. Therefore, it has been classified as a Variant of Uncertain Significance. Algorithms developed to predict the effect of missense changes on protein structure and function (SIFT, PolyPhen-2, Align-GVGD) all suggest that this variant is likely to be disruptive, but these predictions have not been confirmed by published functional studies and their clinical significance is uncertain. This variant has not been reported in the literature in individuals with RYR3-related conditions. This variant is present in population databases (rs754370784, ExAC 0.003%). This sequence change replaces glycine with cysteine at codon 2186 of the RYR3 protein (p.Gly2186Cys). The glycine residue is highly conserved and there is a large physicochemical difference between glycine and cysteine.